The following is an entry in ClinVar:

ClinVar aggregate classification (germline): Uncertain significance (1 of 4 stars; one submission).

Conditions:
Inborn genetic diseases. Identifiers: MedGen C0950123, MeSH D030342.

Submission:

Ambry Genetics
Classification: Uncertain significance for Inborn genetic diseases. Last evaluated: 2023-09-28. Review status: criteria provided, single submitter. Criteria: Ambry Variant Classification Scheme 2023. Collection method: clinical testing. Allele origin: germline.
Comment: The p.E1876G variant (also known as c.5627A>G), located in coding exon 38 of the LRRK2 gene, results from an A to G substitution at nucleotide position 5627. The glutamic acid at codon 1876 is replaced by glycine, an amino acid with similar properties. This amino acid position is conserved. In addition, the in silico prediction for this alteration is inconclusive. Since supporting evidence is limited at this time, the clinical significance of this alteration remains unclear.

NM_198578.4(LRRK2):c.5627A>G (p.Glu1876Gly)

Gene: LRRK2 (leucine rich repeat kinase 2; plus strand). Cytogenetic location: 12q12.
Variant type: single nucleotide variant.
Coding change: c.5627A>G on transcript NM_198578.4 (MANE Select); coding-DNA position 5627, A replaced by G.
Protein change: p.Glu1876Gly; replaces glutamic acid 1876 with glycine.
Molecular consequence: missense variant.
Genome position (GRCh38, 1-based): chr12:40,323,277, A>G. VCF-style: chr12-40323277-A-G. GRCh37 (hg19) VCF-style: chr12-40717079-A-G.
Other names: short protein forms E1876G.
Identifiers: ClinVar variation 3229706 (VCV003229706.1), dbSNP rs2499889267, ClinGen allele CA384421201.
Genomic context (GRCh38, chr12:40,323,277, plus strand): 5'-CCCCTGACTTGATTTTGGCTGACCTGCCTAGAAATATTATGTTGAATAATGATGAGTTGG[A>G]ATTTGAACAAGCTCCAGAGTTTCTCCTAGGTAATTCTTTTTGTTAATTTGAGAATAAAAA-3'
Protein context (NP_940980.4, residues 1866-1886): RNIMLNNDEL[Glu1876Gly]FEQAPEFLLG